The following is an entry in ClinVar:

ClinVar aggregate classification (germline): Uncertain significance. Review status: reviewed by expert panel (3 of 4 stars). 4 submissions from 4 submitters: Uncertain significance (1). 3 of the submissions do not count toward it. Last evaluated 2024-06-25.

Conditions:
Von Hippel-Lindau syndrome (VHLS). Also called: Von Hippel-Lindau; VHL syndrome; von Hippel–Lindau syndrome. Identifiers: Orphanet 892, MedGen C0019562, MONDO:0008667, OMIM 193300. Disease mechanism: loss of function.
Chuvash polycythemia. Also called: POLYCYTHEMIA, VHL-DEPENDENT. Identifiers: Orphanet 238557, MedGen C1837915, MONDO:0009892, OMIM 263400.
Hereditary cancer-predisposing syndrome. Also called: Hereditary neoplastic syndrome; Neoplastic Syndromes, Hereditary; Tumor predisposition; Hereditary Cancer Syndrome. Identifiers: Orphanet 140162, MedGen C0027672, MeSH D009386, MONDO:0015356.

Allele frequency attached by ClinVar (database versions not stated): gnomAD exomes below 0.00001; gnomAD 0.00001.

Submissions (4):

ClinGen VHL Variant Curation Expert Panel, ClinGen
Classification: Uncertain significance for Von Hippel-Lindau syndrome. Last evaluated: 2024-06-25. Review status: reviewed by expert panel. Criteria: ClinGen VHL VCEP ACMG Specifications VHL V1. Collection method: curation. Allele origin: germline. Inheritance: Autosomal dominant inheritance.
Comment: NM_000551.4(VHL):c.341-25_370dup is a 55bp tandem duplication that contains part of the intron between Exon 1 and contains AA115-124 of Exon 2 (chr3:10,146,489-10,146,543, hg38). This is is presumed to disrupt the reading frame as well as add intronic sequence to the coding region, and results in an early truncation 26 amino acids downstream. This region is predicted to undergo Nonsense Mediated Decay. (PVS1_Strong). One of three commercial laboratories reports 1 case with this variant, and the case does not harbor VHL spectrum tumors. One academic laboratory reports 1 case with this variant. Case 1 (0.5 points) : a proband with pheochromocytoma, father and sibling both had RCC (but their VHL variant status is not confirmed). (PS4_NotMet). The GroupMax Filtering Allele Frequency (95% CI) in gnomAD v4.1.0 is 0.000001830 (6/1179074 from European, Non-Finnish Population). This is lower than the ClinGen VHL VCEP threshold expected for VHL disease, of <=0.0000156 (0.00156%) for BS1, and therefore does not meet any population criterion (BS1, BA1, PM2_Supporting are not met). In summary, this variant meets the criteria to be classified as Uncertain for autosomal-dominant von Hippel Lindau syndrome (VHL syndrome) based on the ACMG/AMP criteria applied, as specified by the ClinGen VHL VCEP Version 1.0 (Specifications approval date: 02/26/2024. Variant Approval Date 06/25/2024).

Labcorp Genetics (formerly Invitae), Labcorp
Classification: Uncertain significance for Von Hippel-Lindau syndrome; Chuvash polycythemia. Last evaluated: 2025-12-09. Review status: criteria provided, single submitter. Criteria: Invitae Variant Classification Sherloc (09022015). Collection method: clinical testing. Allele origin: germline. Not counted in ClinVar's aggregate classification.
Comment: This sequence change falls in intron 1 of the VHL gene. It does not directly change the encoded amino acid sequence of the VHL protein. This variant is present in population databases (no rsID available, gnomAD 0.0009%). This variant has not been reported in the literature in individuals affected with VHL-related conditions. This variant is also known as c.341-25_370dup (p.Thr124Ilefs*26). ClinVar contains an entry for this variant (Variation ID: 411994). In summary, the available evidence is currently insufficient to determine the role of this variant in disease. Therefore, it has been classified as a Variant of Uncertain Significance.

Ambry Genetics
Classification: Uncertain significance for Hereditary cancer-predisposing syndrome. Last evaluated: 2025-08-05. Review status: criteria provided, single submitter. Criteria: Ambry Variant Classification Scheme 2023. Collection method: clinical testing. Allele origin: germline. Not counted in ClinVar's aggregate classification.
Comment: The c.341-25_370dup55 variant is located at the junction between intron 1 and coding exon 2 in the VHL gene. This variant results from the duplication of 55 nucleotides at positions c.341-25 to c.370. In silico splice site analysis predicts that this alteration will result in the creation or strengthening of a novel splice acceptor site; however, direct evidence is insufficient at this time (Ambry internal data). Based on the available evidence, the clinical significance of this variant remains unclear.

Genomic Diagnostic Laboratory, Division of Genomic Diagnostics, Children's Hospital of Philadelphia
Classification: Likely pathogenic for von Hippel-Lindau syndrome. Last evaluated: 2018-08-01. Review status: criteria provided, single submitter. Criteria: DGD Variant Analysis Guidelines. Collection method: clinical testing. Allele origin: germline. Affected: yes. Observed: 1 variant allele. Not counted in ClinVar's aggregate classification.

NM_000551.4(VHL):c.341-25_370dup

Genes: VHL (von Hippel-Lindau tumor suppressor; plus strand), LOC107303340 (3p25 von Hippel-Lindau tumor suppressor, E3 ubiquitin protein ligase Alu-mediated recombination region; plus strand). Cytogenetic location: 3p25.3.
Variant type: Duplication.
Coding change: c.341-25_370dup on transcript NM_000551.4 (MANE Select); 25 bases into the intron before coding-DNA position 341 through coding-DNA position 370, 55 bases duplicated.
Molecular consequence: splice acceptor variant. On other transcripts: intron variant (2).
Genome position (GRCh38, 1-based): chr3:10,146,489-10,146,543, 55 bases duplicated. GRCh37 (hg19): chr3:10,188,173-10,188,227.
Other names: c.341-25_370dupTAACAACCTTTGCTTGTCCCGATAGGTCACCTTTGGCTCTTCAGAGATGCAGGGA (NM_000551.3); c.*18-3298_*18-3244dup (NM_001354723.2); c.341-3298_341-3244dup (NM_198156.3).
Identifiers: ClinVar variation 411994 (VCV000411994.13), dbSNP rs1553619923, ClinGen allele CA040509.